The following is an entry in ClinVar:

ClinVar aggregate classification (germline): Uncertain significance (1 of 4 stars; one submission).

Conditions:
Cardiovascular phenotype. Identifiers: MedGen CN230736.

gnomAD v4.1: 87 of 1,614,064 alleles (0.0054%); highest among the groups gnomAD compares: Non-Finnish European, 0.0067%; no homozygotes.

Submission:

Ambry Genetics
Classification: Uncertain significance for Cardiovascular phenotype. Last evaluated: 2024-08-16. Review status: criteria provided, single submitter. Criteria: Ambry Variant Classification Scheme 2023. Collection method: clinical testing. Allele origin: germline.
Comment: The p.A1631V variant (also known as c.4892C>T), located in coding exon 35 of the ABCA1 gene, results from a C to T substitution at nucleotide position 4892. The alanine at codon 1631 is replaced by valine, an amino acid with similar properties. This amino acid position is highly conserved in available vertebrate species. In addition, this alteration is predicted to be deleterious by in silico analysis. Based on the available evidence, the clinical significance of this variant remains unclear.

NM_005502.4(ABCA1):c.4892C>T (p.Ala1631Val)

Gene: ABCA1 (ATP binding cassette subfamily A member 1; minus strand). Cytogenetic location: 9q31.1.
Variant type: single nucleotide variant.
Coding change: c.4892C>T on transcript NM_005502.4 (MANE Select); coding-DNA position 4892, C replaced by T.
Protein change: p.Ala1631Val; replaces alanine 1631 with valine.
Molecular consequence: missense variant.
Genome position (GRCh38, 1-based): chr9:104,799,870, G>A on the plus strand (C>T on the coding strand, the complement: ABCA1 is on the minus strand). VCF-style: chr9-104799870-G-A. GRCh37 (hg19) VCF-style: chr9-107562151-G-A.
Other names: short protein forms A1631V.
Identifiers: ClinVar variation 3489900 (VCV003489900.1).